The following is an entry in ClinVar:

NM_024854.5(PYROXD1):c.40G>T (p.Val14Leu)

Genes: PYROXD1 (pyridine nucleotide-disulphide oxidoreductase domain 1; plus strand), LOC130007527 (ATAC-STARR-seq lymphoblastoid active region 6087; plus strand). Cytogenetic location: 12p12.1.
Variant type: single nucleotide variant.
Coding change: c.40G>T on transcript NM_024854.5 (MANE Select); coding-DNA position 40, G replaced by T.
Protein change: p.Val14Leu; replaces valine 14 with leucine.
Molecular consequence: missense variant. On other transcripts: 5 prime UTR variant (1).
Genome position (GRCh38, 1-based): chr12:21,437,770, G>T. VCF-style: chr12-21437770-G-T. GRCh37 (hg19) VCF-style: chr12-21590704-G-T.
Other names: c.-664G>T (NM_001350913.2); short protein forms V14L.
Identifiers: ClinVar variation 1473229 (VCV001473229.6), dbSNP rs2137232249, ClinGen allele CA384298122.

ClinVar aggregate classification (germline): Uncertain significance (1 of 4 stars; one submission).

Allele frequency attached by ClinVar (database versions not stated): gnomAD exomes below 0.00001.
gnomAD v4.1: 2 of 1,613,280 alleles (0.00012%); highest among the groups gnomAD compares: Non-Finnish European, 0.00017%; no homozygotes.

Submission:

Labcorp Genetics (formerly Invitae), Labcorp
Classification: Uncertain significance. Last evaluated: 2021-11-09. Review status: criteria provided, single submitter. Criteria: Invitae Variant Classification Sherloc (09022015). Collection method: clinical testing. Allele origin: germline.
Comment: This variant has not been reported in the literature in individuals affected with PYROXD1-related conditions. Algorithms developed to predict the effect of missense changes on protein structure and function output the following: SIFT: "Tolerated"; PolyPhen-2: "Benign"; Align-GVGD: "Class C0". The leucine amino acid residue is found in multiple mammalian species, which suggests that this missense change does not adversely affect protein function. In summary, the available evidence is currently insufficient to determine the role of this variant in disease. Therefore, it has been classified as a Variant of Uncertain Significance. This variant is not present in population databases (gnomAD no frequency). This sequence change replaces valine, which is neutral and non-polar, with leucine, which is neutral and non-polar, at codon 14 of the PYROXD1 protein (p.Val14Leu).